The following is an entry in ClinVar:

ClinVar aggregate classification (germline): Conflicting classifications of pathogenicity. Review status: criteria provided, conflicting classifications (1 of 4 stars). 4 submissions from 4 submitters: Uncertain significance (3); Likely benign (1). Last evaluated 2025-11-07.

Conditions:
Inborn genetic diseases. Identifiers: MedGen C0950123, MeSH D030342.
GLI3-related disorder. Also called: GLI3-related disorders; GLI3-related condition. Identifiers: MedGen CN239292.
Greig cephalopolysyndactyly syndrome (GCPS). Also called: Greig syndrome; GLI3-Related Greig Cephalopolysyndactyly Syndrome; POLYSYNDACTYLY WITH PECULIAR SKULL SHAPE. Identifiers: Orphanet 380, MedGen C0265306, MONDO:0008287, OMIM 175700.
Polysyndactyly 4. Also called: Polysyndactyly uncomplicated; Preaxial polydactyly 4. Identifiers: Orphanet 93338, MedGen C1868111, MONDO:0008272, OMIM 174700.
Polydactyly, postaxial, type A1. Identifiers: MedGen C4282400, MONDO:0008266, OMIM 174200.
Pallister-Hall syndrome (PHS). Also called: GLI3-Related Pallister-Hall Syndrome; HYPOTHALAMIC HAMARTOBLASTOMA, HYPOPITUITARISM, IMPERFORATE ANUS, AND POSTAXIAL POLYDACTYLY. Identifiers: Orphanet 672, MedGen C0265220, MONDO:0007804, OMIM 146510.

gnomAD v4.1: 42 of 1,603,716 alleles (0.0026%); highest among the groups gnomAD compares: Non-Finnish European, 0.0036%; no homozygotes.

Submissions (4):

Ambry Genetics
Classification: Uncertain significance for Inborn genetic diseases. Last evaluated: 2025-11-07. Review status: criteria provided, single submitter. Criteria: Ambry Variant Classification Scheme 2023. Collection method: clinical testing. Allele origin: germline.

PreventionGenetics, part of Exact Sciences
Classification: Uncertain significance for GLI3-related condition. Last evaluated: 2025-04-24. Review status: criteria provided, single submitter. Criteria: ACMG Guidelines, 2015. Collection method: clinical testing. Allele origin: germline.
Comment: The GLI3 c.1822G>A variant is predicted to result in the amino acid substitution p.Val608Met. To our knowledge, this variant has not been reported in the literature. This variant is reported in 0.0018% of alleles in individuals of European (Non-Finnish) descent in gnomAD. At this time, the clinical significance of this variant is uncertain due to the absence of conclusive functional and genetic evidence.

Labcorp Genetics (formerly Invitae), Labcorp
Classification: Likely benign for Pallister-Hall syndrome; Greig cephalopolysyndactyly syndrome. Last evaluated: 2025-01-28. Review status: criteria provided, single submitter. Criteria: Invitae Variant Classification Sherloc (09022015). Collection method: clinical testing. Allele origin: germline.

Fulgent Genetics
Classification: Uncertain significance for Pallister-Hall syndrome; Polydactyly, postaxial, type A1; Polysyndactyly 4; Greig cephalopolysyndactyly syndrome. Last evaluated: 2024-03-04. Review status: criteria provided, single submitter. Criteria: ACMG Guidelines, 2015. Collection method: clinical testing. Allele origin: germline.

NM_000168.6(GLI3):c.1822G>A (p.Val608Met)

Gene: GLI3 (GLI family zinc finger 3; minus strand). Cytogenetic location: 7p14.1.
Variant type: single nucleotide variant.
Coding change: c.1822G>A on transcript NM_000168.6 (MANE Select); coding-DNA position 1822, G replaced by A.
Protein change: p.Val608Met; replaces valine 608 with methionine.
Molecular consequence: missense variant.
Genome position (GRCh38, 1-based): chr7:41,972,618, C>T on the plus strand (G>A on the coding strand, the complement: GLI3 is on the minus strand). VCF-style: chr7-41972618-C-T. GRCh37 (hg19) VCF-style: chr7-42012217-C-T.
Other names: c.1822G>A (NM_000168.5); short protein forms V608M.
Identifiers: ClinVar variation 3594670 (VCV003594670.5).